The following is an entry in ClinVar:

NM_004387.4(NKX2-5):c.238G>A (p.Ala80Thr)

Gene: NKX2-5 (NK2 homeobox 5; minus strand). Cytogenetic location: 5q35.1.
Variant type: single nucleotide variant.
Coding change: c.238G>A on transcript NM_004387.4 (MANE Select); coding-DNA position 238, G replaced by A.
Protein change: p.Ala80Thr; replaces alanine 80 with threonine.
Molecular consequence: missense variant.
Genome position (GRCh38, 1-based): chr5:173,234,846, C>T on the plus strand (G>A on the coding strand, the complement: NKX2-5 is on the minus strand). VCF-style: chr5-173234846-C-T. GRCh37 (hg19) VCF-style: chr5-172661849-C-T.
Other names: c.238G>A, p.Ala80Thr (NM_001166175.2, NM_001166176.2); short protein forms A80T.
Identifiers: ClinVar variation 4861072 (VCV004861072.1).

ClinVar aggregate classification (germline): Uncertain significance (1 of 4 stars; one submission).

Conditions:
Cardiovascular phenotype. Identifiers: MedGen CN230736.

Submission:

Ambry Genetics
Classification: Uncertain significance for Cardiovascular phenotype. Last evaluated: 2026-03-24. Review status: criteria provided, single submitter. Criteria: Ambry Variant Classification Scheme 2023. Collection method: clinical testing. Allele origin: germline.
Comment: The p.A80T variant (also known as c.238G>A), located in coding exon 1 of the NKX2-5 gene, results from a G to A substitution at nucleotide position 238. The alanine at codon 80 is replaced by threonine, an amino acid with similar properties. This amino acid position is not well conserved in available vertebrate species. In addition, this alteration is predicted to be tolerated by in silico analysis. Based on the available evidence, the clinical significance of this variant remains unclear.